The following is an entry in ClinVar:

NM_001103.4(ACTN2):c.346_347delinsAT (p.Ser116Ile)

Gene: ACTN2 (actinin alpha 2; plus strand). Cytogenetic location: 1q43.
Variant type: Indel.
Coding change: c.346_347delinsAT on transcript NM_001103.4 (MANE Select); coding-DNA positions 346 to 347, TC replaced by AT.
Protein change: p.Ser116Ile; replaces serine 116 with isoleucine.
Molecular consequence: missense variant. On other transcripts: 5 prime UTR variant (1).
Genome position (GRCh38, 1-based): chr1:236,718,998-236,718,999, TC replaced by AT. VCF-style: chr1-236718998-TC-AT. GRCh37 (hg19) VCF-style: chr1-236882298-TC-AT.
Other names: c.346_347delinsAT, p.Ser116Ile (NM_001278343.2); c.-476_-475delinsAT (NM_001278344.2); short protein forms S116I.
Identifiers: ClinVar variation 1317431 (VCV001317431.3), dbSNP rs2102894956, ClinGen allele CA2573051519.

ClinVar aggregate classification (germline): Likely pathogenic (1 of 4 stars; one submission).

Submission:

GeneDx
Classification: Likely pathogenic. Last evaluated: 2026-09-11. Review status: criteria provided, single submitter. Criteria: GeneDx Variant Classification Process June 2021. Collection method: clinical testing. Allele origin: germline.
Comment: Has not been previously published as pathogenic or benign to our knowledge; Not observed at significant frequency in large population cohorts (gnomAD); In silico analysis supports a deleterious effect on protein structure/function